The following is an entry in ClinVar:

ClinVar aggregate classification (germline): Uncertain significance (1 of 4 stars; one submission).

Conditions:
Dyskeratosis congenita, autosomal dominant 1 (DKCA1). Also called: Dyskeratosis congenita Scoggins type. Identifiers: Orphanet 1775, MedGen C4551974, MONDO:0007485, OMIM 127550. Inheritance: Variable.

Allele frequency attached by ClinVar (database versions not stated): gnomAD exomes below 0.00001 and 0.00002; TOPMed below 0.00001; gnomAD 0.00001; ExAC 0.00004.
gnomAD v4.1: 4 of 746,654 alleles (0.00054%); highest among the groups gnomAD compares: Non-Finnish European, 0.00074%; no homozygotes.

Submission:

Labcorp Genetics (formerly Invitae), Labcorp
Classification: Uncertain significance for Dyskeratosis congenita, autosomal dominant 1. Last evaluated: 2023-06-16. Review status: criteria provided, single submitter. Criteria: Invitae Variant Classification Sherloc (09022015). Collection method: clinical testing. Allele origin: germline.
Comment: This variant occurs in the TERC gene, which encodes an RNA molecule that does not result in a protein product. This variant is present in population databases (rs766203739, gnomAD 0.004%). This variant has not been reported in the literature in individuals affected with TERC-related conditions. ClinVar contains an entry for this variant (Variation ID: 964618). This variant is located within the BoxH/ACA scaRNA domain of the TERC RNA component, which is required for telomerase activity (PMID: 21844345). In summary, the available evidence is currently insufficient to determine the role of this variant in disease. Therefore, it has been classified as a Variant of Uncertain Significance.

Literature cited by the submitters: PubMed 21844345.

NC_000003.12:g.169764652G>A

Gene: TERC (telomerase RNA component; minus strand). Cytogenetic location: 3q26.2.
Variant type: single nucleotide variant.
Genome position: GRCh38 VCF-style: chr3-169764652-G-A. GRCh37 (hg19) VCF-style: chr3-169482440-G-A.
Identifiers: ClinVar variation 964618 (VCV000964618.7), dbSNP rs766203739, ClinGen allele CA2696786.